The following is an entry in ClinVar:

ClinVar aggregate classification (germline): Pathogenic (1 of 4 stars; one submission).

Submission:

Labcorp Genetics (formerly Invitae), Labcorp
Classification: Pathogenic. Last evaluated: 2021-01-29. Review status: criteria provided, single submitter. Criteria: Invitae Variant Classification Sherloc (09022015). Collection method: clinical testing. Allele origin: germline.
Comment: For these reasons, this variant has been classified as Pathogenic. This variant has not been reported in the literature in individuals with EYS-related conditions. This variant is not present in population databases (ExAC no frequency). This sequence change creates a premature translational stop signal (p.Leu1750*) in the EYS gene. It is expected to result in an absent or disrupted protein product. Loss-of-function variants in EYS are known to be pathogenic (PMID: 18836446, 20333770).

Literature cited by the submitters: PubMed 18836446; PubMed 20333770.

NM_001142800.2(EYS):c.5249T>A (p.Leu1750Ter)

Gene: EYS (EGF-like photoreceptor maintenance factor; minus strand). Cytogenetic location: 6q12.
Variant type: single nucleotide variant.
Coding change: c.5249T>A on transcript NM_001142800.2 (MANE Select); coding-DNA position 5249, T replaced by A.
Protein change: p.Leu1750Ter; replaces leucine 1750 with a stop codon.
Molecular consequence: nonsense.
Genome position (GRCh38, 1-based): chr6:64,590,618, A>T on the plus strand (T>A on the coding strand, the complement: EYS is on the minus strand). VCF-style: chr6-64590618-A-T. GRCh37 (hg19) VCF-style: chr6-65300511-A-T.
Other names: c.5249T>A, p.Leu1750Ter (NM_001292009.2); short protein forms L1750*.
Identifiers: ClinVar variation 1452024 (VCV001452024.6), dbSNP rs1766374293, ClinGen allele CA364781512.